The following is an entry in ClinVar:

ClinVar aggregate classification (germline): Uncertain significance (1 of 4 stars; one submission).

Conditions:
ADCY3-related disorder. Also called: ADCY3-related condition.

Submission:

PreventionGenetics, part of Exact Sciences
Classification: Uncertain significance for ADCY3-related condition. Last evaluated: 2024-11-18. Review status: criteria provided, single submitter. Criteria: ACMG Guidelines, 2015. Collection method: clinical testing. Allele origin: germline.
Comment: The ADCY3 c.2410_2412delCAC variant is predicted to result in an in-frame deletion (p.His804del). To our knowledge, this variant has not been reported in the literature. This variant is reported in 0.00088% of alleles in individuals of European (Non-Finnish) descent in gnomAD. At this time, the clinical significance of this variant is uncertain due to the absence of conclusive functional and genetic evidence.

NM_004036.5(ADCY3):c.2410_2412del (p.His804del)

Gene: ADCY3 (adenylate cyclase 3; minus strand). Cytogenetic location: 2p23.3.
Variant type: Deletion.
Coding change: c.2410_2412del on transcript NM_004036.5 (MANE Select); coding-DNA positions 2410 to 2412, 3 bases deleted (CAC; older notation c.2410_2412delCAC).
Protein change: p.His804del; deletes histidine 804.
Molecular consequence: inframe deletion. On other transcripts: intron variant (1).
Genome position (GRCh38, 1-based): chr2:24,827,922-24,827,924, GTG deleted on the plus strand (CAC on the coding strand, the reverse complement: ADCY3 is on the minus strand); deleting any 3 consecutive bases within chr2:24,827,922-24,827,926 gives the same sequence; the c. name uses the placement nearest the transcript's 3' end. VCF-style (leftmost placement, unchanged base first): chr2-24827921-TGTG-T. GRCh37 (hg19) VCF-style: chr2-25050790-TGTG-T.
Other names: c.2410_2412del, p.His804del (NM_001320613.2, NM_001377132.1); c.2476_2478del, p.His826del (NM_001377128.1); c.2272_2274del, p.His758del (NM_001377129.1); c.1687_1689del, p.His563del (NM_001377131.1); c.2172+2785_2172+2787del (NM_001377130.1); short protein forms H804del, H563del, H758del, H826del.
Identifiers: ClinVar variation 4986316 (VCV004986316.1).